The following is an entry in ClinVar:

ClinVar aggregate classification (germline): Uncertain significance. Review status: criteria provided, multiple submitters, no conflicts (2 of 4 stars). 3 submissions from 3 submitters: Uncertain significance (3). Last evaluated 2026-05-13.

Conditions:
Inborn genetic diseases. Identifiers: MedGen C0950123, MeSH D030342.
Multiple congenital exostosis (EXT). Also called: MULTIPLE CARTILAGINOUS EXOSTOSES; Hereditary multiple osteochondromas; Multiple exostoses; Multiple osteochondromas; Hereditary multiple exostoses; Hereditary multiple exostosis. Identifiers: Orphanet 321, MedGen C0015306, MONDO:0005508, HP:0002762.

Allele frequency attached by ClinVar (database versions not stated): TOPMed 0.00002; gnomAD exomes 0.00003; gnomAD 0.00002 and 0.00003.
gnomAD v4.1: 40 of 1,613,636 alleles (0.0025%); highest among the groups gnomAD compares: Non-Finnish European, 0.0031%; no homozygotes.

Submissions (3):

Ambry Genetics
Classification: Uncertain significance for Inborn genetic diseases. Last evaluated: 2026-05-13. Review status: criteria provided, single submitter. Criteria: Ambry Variant Classification Scheme 2023. Collection method: clinical testing. Allele origin: germline.

Labcorp Genetics (formerly Invitae), Labcorp
Classification: Uncertain significance for Multiple congenital exostosis. Last evaluated: 2025-06-29. Review status: criteria provided, single submitter. Criteria: Invitae Variant Classification Sherloc (09022015). Collection method: clinical testing. Allele origin: germline.
Comment: This sequence change replaces glutamic acid, which is acidic and polar, with glycine, which is neutral and non-polar, at codon 38 of the EXT1 protein (p.Glu38Gly). This variant is present in population databases (rs794726874, gnomAD 0.01%). This variant has not been reported in the literature in individuals affected with EXT1-related conditions. ClinVar contains an entry for this variant (Variation ID: 193048). Invitae Evidence Modeling of protein sequence and biophysical properties (such as structural, functional, and spatial information, amino acid conservation, physicochemical variation, residue mobility, and thermodynamic stability) indicates that this missense variant is not expected to disrupt EXT1 protein function with a negative predictive value of 95%. In summary, the available evidence is currently insufficient to determine the role of this variant in disease. Therefore, it has been classified as a Variant of Uncertain Significance.

Eurofins Ntd Llc (ga)
Classification: Uncertain significance. Last evaluated: 2014-12-19. Review status: criteria provided, single submitter. Criteria: EGL Classification Definitions 2015. Collection method: clinical testing. Allele origin: germline. Observed: 1 variant allele, 1 heterozygote.

NM_000127.3(EXT1):c.113A>G (p.Glu38Gly)

Gene: EXT1 (exostosin glycosyltransferase 1; minus strand). Cytogenetic location: 8q24.11.
Variant type: single nucleotide variant.
Coding change: c.113A>G on transcript NM_000127.3 (MANE Select); coding-DNA position 113, A replaced by G.
Protein change: p.Glu38Gly; replaces glutamic acid 38 with glycine.
Molecular consequence: missense variant.
Genome position (GRCh38, 1-based): chr8:118,110,934, T>C on the plus strand (A>G on the coding strand, the complement: EXT1 is on the minus strand). VCF-style: chr8-118110934-T-C. GRCh37 (hg19) VCF-style: chr8-119123173-T-C.
Other names: c.113A>G (NM_000127.2); short protein forms E38G.
Identifiers: ClinVar variation 193048 (VCV000193048.8), dbSNP rs794726874, ClinGen allele CA238557.
Genomic context (GRCh38, chr8:118,110,934, plus strand): 5'-AAGCGGGGCCAGAAATGATCCGGACTGGGGTGGTGCAAGCCATTCCTACCGCTGTGTTCT[T>C]CTCTCCGGCTGTGGCTCCTCGATGCCCTAAACTGCAAGCCTCCGAAATAAAACAAAAGGG-3'
Protein context (NP_000118.2, residues 28-48): FRASRSHSRR[Glu38Gly]EHSGRNGLHH